The following is an entry in ClinVar:

ClinVar aggregate classification (germline): Uncertain significance (1 of 4 stars; one submission).

Conditions:
Familial adenomatous polyposis 1 (FAP1). Also called: FAMILIAL ADENOMATOUS POLYPOSIS 1, ATTENUATED; POLYPOSIS, ADENOMATOUS INTESTINAL. Identifiers: MedGen C2713442, MONDO:0021056, OMIM 175100. Disease mechanism: loss of function.

Submission:

Labcorp Genetics (formerly Invitae), Labcorp
Classification: Uncertain significance for Familial adenomatous polyposis 1. Last evaluated: 2025-03-24. Review status: criteria provided, single submitter. Criteria: Invitae Variant Classification Sherloc (09022015). Collection method: clinical testing. Allele origin: germline.
Comment: This variant occurs in a non-coding region of the APC gene. It does not change the encoded amino acid sequence of the APC protein. This variant is not present in population databases (gnomAD no frequency). This variant has not been reported in the literature in individuals affected with APC-related conditions. Experimental studies and prediction algorithms are not available or were not evaluated, and the functional significance of this variant is currently unknown. In summary, the available evidence is currently insufficient to determine the role of this variant in disease. Therefore, it has been classified as a Variant of Uncertain Significance.

NM_001127511.3(APC):c.-170G>T

Gene: APC (APC regulator of Wnt signaling pathway; plus strand). Cytogenetic location: 5q22.2.
Variant type: single nucleotide variant.
Coding change: c.-170G>T on transcript NM_001127511.3; 170 bases upstream of the start codon, G replaced by T.
Molecular consequence: 5 prime UTR variant. On other transcripts: non-coding transcript variant (2).
Genome position (GRCh38, 1-based): chr5:112,707,548, G>T. VCF-style: chr5-112707548-G-T. GRCh37 (hg19) VCF-style: chr5-112043245-G-T.
Other names: c.-353G>T (NM_001354895.2, NM_001407447.1, NM_001407452.1 and 3 more transcripts); c.-170G>T (NM_001354897.2, NM_001354902.2, NM_001407446.1); c.-120G>T (NM_001407448.1, NM_001407450.1, NM_001407457.1 and 1 more transcripts); c.-144G>T (NM_001407453.1); c.-1388G>T (NM_001407470.1, NM_001407472.1).
Identifiers: ClinVar variation 1007704 (VCV001007704.47), dbSNP rs1000470082, ClinGen allele CA913187314.